The following is an entry in ClinVar:

ClinVar aggregate classification (germline): Uncertain significance (1 of 4 stars; one submission).

Submission:

GeneDx
Classification: Uncertain significance. Last evaluated: 2024-10-31. Review status: criteria provided, single submitter. Criteria: GeneDx Variant Classification Process June 2021. Collection method: clinical testing. Allele origin: germline. Affected: yes.
Comment: Not observed at significant frequency in large population cohorts (gnomAD); In silico analysis supports that this missense variant has a deleterious effect on protein structure/function; Has not been previously published as pathogenic or benign to our knowledge

NM_021096.4(CACNA1I):c.1661C>T (p.Pro554Leu)

Gene: CACNA1I (calcium voltage-gated channel subunit alpha1 I; plus strand). Cytogenetic location: 22q13.1.
Variant type: single nucleotide variant.
Coding change: c.1661C>T on transcript NM_021096.4 (MANE Select); coding-DNA position 1661, C replaced by T.
Protein change: p.Pro554Leu; replaces proline 554 with leucine.
Molecular consequence: missense variant.
Genome position (GRCh38, 1-based): chr22:39,649,594, C>T. VCF-style: chr22-39649594-C-T. GRCh37 (hg19) VCF-style: chr22-40045599-C-T.
Other names: c.1556C>T, p.Pro519Leu (NM_001003406.2); short protein forms P519L, P554L.
Identifiers: ClinVar variation 3897455 (VCV003897455.1).
Genomic context (GRCh38, chr22:39,649,594, plus strand): 5'-CGCCCCACACCCTGGTGCAGCCCATCCCCGCCACGCTGGCTTCCGATCCCGCCAGCTGCC[C>T]TTGCTGCCAGCATGAGGACGGCCGGCGGCCCTCGGGCCTGGGCAGCACCGACTCGGGCCA-3'
Protein context (NP_066919.2, residues 544-564): ATLASDPASC[Pro554Leu]CCQHEDGRRP